The following is an entry in ClinVar:

NM_000138.5(FBN1):c.2441G>A (p.Ser814Asn)

Gene: FBN1 (fibrillin 1; minus strand). Cytogenetic location: 15q21.1.
Variant type: single nucleotide variant.
Coding change: c.2441G>A on transcript NM_000138.5 (MANE Select); coding-DNA position 2441, G replaced by A.
Protein change: p.Ser814Asn; replaces serine 814 with asparagine.
Molecular consequence: missense variant.
Genome position (GRCh38, 1-based): chr15:48,495,567, C>T on the plus strand (G>A on the coding strand, the complement: FBN1 is on the minus strand). VCF-style: chr15-48495567-C-T. GRCh37 (hg19) VCF-style: chr15-48787764-C-T.
Other names: short protein forms S814N.
Identifiers: ClinVar variation 920036 (VCV000920036.4), dbSNP rs2043600469, ClinGen allele CA392334752.
Genomic context (GRCh38, chr15:48,495,567, plus strand): 5'-GAAGAACATTCACAAATAAAAGAGCCTGGGCTGTTCTTGCAGACTCCATTAATGCAAGGA[C>T]TTGATTCGCATTCATCAATGTCTGAAACAAAAACAGGTCTACATTACTGCTAAAATCTAG-3'
Protein context (NP_000129.3, residues 804-824): TCEDIDECES[Ser814Asn]PCINGVCKNS

ClinVar aggregate classification (germline): Uncertain significance. Review status: criteria provided, multiple submitters, no conflicts (2 of 4 stars). 2 submissions from 2 submitters: Uncertain significance (2). Last evaluated 2023-06-27.

Conditions:
Familial thoracic aortic aneurysm and aortic dissection (TAAD). Also called: Thoracic aortic aneurysms and dissections. Identifiers: Orphanet 91387, MedGen C4707243, MONDO:0019625.
Marfan syndrome (MFS). Also called: Marfan syndrome, classic; Marfan syndrome type 1; Marfan's syndrome; FBN1-Related Marfan Syndrome; MARFAN SYNDROME, TYPE I. Identifiers: Orphanet 284963, Orphanet 558, MedGen C0024796, MONDO:0007947, OMIM 154700.

Submissions (2):

All of Us Research Program, National Institutes of Health
Classification: Uncertain significance for Marfan syndrome. Last evaluated: 2023-06-27. Review status: criteria provided, single submitter. Criteria: ACMG Guidelines, 2015. Collection method: clinical testing. Allele origin: germline. Inheritance: Autosomal dominant inheritance. Observed: 1 variant allele, 1 heterozygote.
Comment: This missense variant replaces serine with asparagine at codon 814 of the FBN1 protein. Computational prediction suggests that this variant may not impact protein structure and function (internally defined REVEL score threshold <= 0.5, PMID: 27666373). To our knowledge, functional studies have not been reported for this variant. This variant has not been reported in individuals affected with cardiovascular disorders in the literature. This variant has not been identified in the general population by the Genome Aggregation Database (gnomAD). The available evidence is insufficient to determine the role of this variant in disease conclusively. Therefore, this variant is classified as a Variant of Uncertain Significance.

This study involves interpretation of variants in research participants for the purpose of population health screening. Participant phenotype was not available at the time of variant classification. Additional details can be found in publication PMID: 35346344, PMCID: PMC8962531

Color Diagnostics, LLC DBA Color Health
Classification: Uncertain significance for Familial thoracic aortic aneurysm and aortic dissection. Last evaluated: 2020-04-06. Review status: criteria provided, single submitter. Criteria: ACMG Guidelines, 2015. Collection method: clinical testing. Allele origin: germline.
Comment: This missense variant replaces serine with asparagine at codon 814 of the FBN1 protein. Computational prediction suggests that this variant may not impact protein structure and function (internally defined REVEL score threshold <= 0.5, PMID: 27666373). To our knowledge, functional studies have not been reported for this variant. This variant has not been reported in individuals affected with cardiovascular disorders in the literature. This variant has not been identified in the general population by the Genome Aggregation Database (gnomAD). The available evidence is insufficient to determine the role of this variant in disease conclusively. Therefore, this variant is classified as a Variant of Uncertain Significance.